The following is an entry in ClinVar:

ClinVar aggregate classification (germline): Pathogenic/Likely pathogenic. Review status: criteria provided, multiple submitters, no conflicts (2 of 4 stars). 3 submissions from 3 submitters: Pathogenic (1); Likely pathogenic (1). 1 of the submissions does not count toward it. Last evaluated 2023-11-21.

Conditions:
MYO15A-related disorder. Also called: MYO15A-related condition.

Submissions (3):

Labcorp Genetics (formerly Invitae), Labcorp
Classification: Pathogenic. Last evaluated: 2023-11-21. Review status: criteria provided, single submitter. Criteria: Invitae Variant Classification Sherloc (09022015). Collection method: clinical testing. Allele origin: germline.
Comment: This sequence change creates a premature translational stop signal (p.Leu535Serfs*94) in the MYO15A gene. It is expected to result in an absent or disrupted protein product. Loss-of-function variants in MYO15A are known to be pathogenic (PMID: 17546645). This variant is present in population databases (rs762110822, gnomAD 0.04%). This variant has not been reported in the literature in individuals affected with MYO15A-related conditions. ClinVar contains an entry for this variant (Variation ID: 1028013). For these reasons, this variant has been classified as Pathogenic.

GeneDx
Classification: Likely pathogenic. Last evaluated: 2022-02-21. Review status: criteria provided, single submitter. Criteria: GeneDx Variant Classification Process June 2021. Collection method: clinical testing. Allele origin: germline. Affected: yes.
Comment: Frameshift variant predicted to result in protein truncation or nonsense mediated decay in a gene for which loss-of-function is a known mechanism of disease; Has not been previously published as pathogenic or benign to our knowledge

PreventionGenetics, part of Exact Sciences
Classification: Likely pathogenic for MYO15A-related condition. Last evaluated: 2024-07-03. Review status: no assertion criteria provided. Collection method: clinical testing. Allele origin: germline. Not counted in ClinVar's aggregate classification.
Comment: The MYO15A c.1603delC variant is predicted to result in a frameshift and premature protein termination (p.Leu535Serfs*94). This variant was reported in an individual with sensorineural hearing loss (Table S2, Florentine et al. 2022. PubMed ID: 34515852). This variant is reported in 0.038% of alleles in individuals of Latino descent in gnomAD. Frameshift variants in MYO15A are expected to be pathogenic. This variant is interpreted as likely pathogenic.

Literature cited by the submitters: PubMed 17546645 (cited by Labcorp Genetics (formerly Invitae), Labcorp).

NM_016239.4(MYO15A):c.1603del (p.Leu535fs)

Gene: MYO15A (myosin XVA; plus strand). Cytogenetic location: 17p11.2.
Variant type: Deletion.
Coding change: c.1603del on transcript NM_016239.4 (MANE Select); coding-DNA position 1603, one base deleted (C; older notation c.1603delC).
Protein change: p.Leu535fs; shifts the reading frame from leucine 535.
Molecular consequence: frameshift variant.
Genome position (GRCh38, 1-based): chr17:18,120,403, C deleted; the last of 2 consecutive C bases (chr17:18,120,402-18,120,403); deleting either gives the same sequence. VCF-style (leftmost placement, unchanged base first): chr17-18120401-TC-T. GRCh37 (hg19) VCF-style: chr17-18023715-TC-T.
Other names: c.1603delC (NM_016239.3); short protein forms L535fs.
Identifiers: ClinVar variation 1028013 (VCV001028013.12), dbSNP rs762110822, ClinGen allele CA8423131.
Genomic context (GRCh38, chr17:18,120,401, plus strand): 5'-AGGACGAGGAGGAGCTGCCCCCGGTTTCCGCTGTGCCCTACGGCCACCCTTTCTGGGGCT[TC>T]CTCACGCCGCGCCAGCGCAACCTCCAGCGCGCGCTGTCGGCCTTCGGCGCCCACCGGGGC-3'